The following is an entry in ClinVar:

ClinVar aggregate classification (germline): Uncertain significance (1 of 4 stars; one submission).

Conditions:
Xanthinuria type II. Also called: Xanthine dehydrogenase and aldehyde oxidase combined deficiency of; XDH and AOX dual deficiency. Identifiers: Orphanet 3467, Orphanet 93602, MedGen C1863688, MONDO:0011346, OMIM 603592.

gnomAD v4.1: 1 of 1,614,140 alleles (0.000062%); highest among the groups gnomAD compares: Non-Finnish European, 0.000085%; no homozygotes.

Submission:

Labcorp Genetics (formerly Invitae), Labcorp
Classification: Uncertain significance for Xanthinuria type II. Last evaluated: 2022-03-12. Review status: criteria provided, single submitter. Criteria: Invitae Variant Classification Sherloc (09022015). Collection method: clinical testing. Allele origin: germline.
Comment: In summary, the available evidence is currently insufficient to determine the role of this variant in disease. Therefore, it has been classified as a Variant of Uncertain Significance. Algorithms developed to predict the effect of missense changes on protein structure and function are either unavailable or do not agree on the potential impact of this missense change (SIFT: "Deleterious"; PolyPhen-2: "Possibly Damaging"; Align-GVGD: "Class C0"). This variant has not been reported in the literature in individuals affected with XDH-related conditions. This variant is present in population databases (rs751920290, gnomAD 0.007%). This sequence change replaces threonine, which is neutral and polar, with alanine, which is neutral and non-polar, at codon 162 of the XDH protein (p.Thr162Ala).

NM_000379.4(XDH):c.484A>G (p.Thr162Ala)

Gene: XDH (xanthine dehydrogenase; minus strand). Cytogenetic location: 2p23.1.
Variant type: single nucleotide variant.
Coding change: c.484A>G on transcript NM_000379.4 (MANE Select); coding-DNA position 484, A replaced by G.
Protein change: p.Thr162Ala; replaces threonine 162 with alanine.
Molecular consequence: missense variant.
Genome position (GRCh38, 1-based): chr2:31,397,679, T>C on the plus strand (A>G on the coding strand, the complement: XDH is on the minus strand). VCF-style: chr2-31397679-T-C. GRCh37 (hg19) VCF-style: chr2-31620545-T-C.
Other names: short protein forms T162A.
Identifiers: ClinVar variation 2109849 (VCV002109849.4), dbSNP rs751920290, ClinGen allele CA1599618.
Genomic context (GRCh38, chr2:31,397,679, plus strand): 5'-GTTGCCATTTTAGAAGCAGAGACACTGATGTTCTGGGGTCCCCACTTACCCTGGCAAAGG[T>C]CCGGAAGCCCTGGAGGATGGGTCTGTAGCCTGTGCAGCGGCACAGATTTCCTGTGGGCCA-3'
Protein context (NP_000370.2, residues 152-172): GYRPILQGFR[Thr162Ala]FARDGGCCGG